The following is an entry in ClinVar:

ClinVar aggregate classification (germline): Uncertain significance. Review status: criteria provided, multiple submitters, no conflicts (2 of 4 stars). 4 submissions from 4 submitters: Uncertain significance (3). 1 of the submissions does not count toward it. Last evaluated 2024-12-30.

Conditions:
Fanconi anemia (FA). Also called: Fanconi's anemia. Identifiers: Orphanet 84, MedGen C0015625, MeSH D005199, MONDO:0019391.
Fanconi anemia complementation group G. Also called: Fanconi anemia group G; FANCG-Related Fanconi Anemia. Identifiers: Orphanet 84, MedGen C3469527, MONDO:0013565, OMIM 614082.

Allele frequency attached by ClinVar (database versions not stated): gnomAD exomes 0.00001; gnomAD 0.00003; TOPMed 0.00003.
gnomAD v4.1: 10 of 1,613,980 alleles (0.00062%); highest among the groups gnomAD compares: African/African-American, 0.0053%; no homozygotes.

Submissions (4):

GeneDx
Classification: Uncertain significance. Last evaluated: 2024-12-30. Review status: criteria provided, single submitter. Criteria: GeneDx Variant Classification Process June 2021. Collection method: clinical testing. Allele origin: germline. Affected: yes.
Comment: In silico analysis supports that this missense variant has a deleterious effect on protein structure/function; Identified in a patient with Fanconi anemia who was also found to be homozygous for a FANCE variant (PMID: 32947577); This variant is associated with the following publications: (PMID: 32947577)

Fulgent Genetics
Classification: Uncertain significance for Fanconi anemia complementation group G. Last evaluated: 2024-01-03. Review status: criteria provided, single submitter. Criteria: ACMG Guidelines, 2015. Collection method: clinical testing. Allele origin: germline.

Labcorp Genetics (formerly Invitae), Labcorp
Classification: Uncertain significance for Fanconi anemia. Last evaluated: 2023-11-19. Review status: criteria provided, single submitter. Criteria: Invitae Variant Classification Sherloc (09022015). Collection method: clinical testing. Allele origin: germline.
Comment: This sequence change replaces proline, which is neutral and non-polar, with serine, which is neutral and polar, at codon 61 of the FANCG protein (p.Pro61Ser). This variant is present in population databases (no rsID available, gnomAD 0.004%). This missense change has been observed in individual(s) with fanconi anemia (PMID: 32947577). ClinVar contains an entry for this variant (Variation ID: 569286). Advanced modeling of protein sequence and biophysical properties (such as structural, functional, and spatial information, amino acid conservation, physicochemical variation, residue mobility, and thermodynamic stability) performed at Invitae indicates that this missense variant is expected to disrupt FANCG protein function with a positive predictive value of 80%. In summary, the available evidence is currently insufficient to determine the role of this variant in disease. Therefore, it has been classified as a Variant of Uncertain Significance.

Natera, Inc.
Classification: Uncertain significance for Fanconi anemia group G. Last evaluated: 2021-03-29. Review status: no assertion criteria provided. Collection method: clinical testing. Allele origin: germline. Not counted in ClinVar's aggregate classification.

Literature cited by the submitters: PubMed 32947577 (cited by Labcorp Genetics (formerly Invitae), Labcorp).

NM_004629.2(FANCG):c.181C>T (p.Pro61Ser)

Gene: FANCG (FA complementation group G; minus strand). Cytogenetic location: 9p13.3.
Variant type: single nucleotide variant.
Coding change: c.181C>T on transcript NM_004629.2 (MANE Select); coding-DNA position 181, C replaced by T.
Protein change: p.Pro61Ser; replaces proline 61 with serine.
Molecular consequence: missense variant.
Genome position (GRCh38, 1-based): chr9:35,078,731, G>A on the plus strand (C>T on the coding strand, the complement: FANCG is on the minus strand). VCF-style: chr9-35078731-G-A. GRCh37 (hg19) VCF-style: chr9-35078728-G-A.
Other names: short protein forms P61S.
Identifiers: ClinVar variation 569286 (VCV000569286.9), dbSNP rs931163229, ClinGen allele CA192696606.